The following is an entry in ClinVar:

NM_001377540.1(SLMAP):c.2407A>G (p.Lys803Glu)

Gene: SLMAP (sarcolemma associated protein; plus strand). Cytogenetic location: 3p14.3.
Variant type: single nucleotide variant.
Coding change: c.2407A>G on transcript NM_001377540.1 (MANE Select); coding-DNA position 2407, A replaced by G.
Protein change: p.Lys803Glu; replaces lysine 803 with glutamic acid.
Molecular consequence: missense variant. On other transcripts: non-coding transcript variant (1).
Genome position (GRCh38, 1-based): chr3:57,922,985, A>G. VCF-style: chr3-57922985-A-G. GRCh37 (hg19) VCF-style: chr3-57908712-A-G.
Other names: c.2242A>G, p.Lys748Glu (NM_001304421.2, NM_001377557.1, NM_001377559.1); c.958A>G, p.Lys320Glu (NM_001304422.3, NM_001311178.2); c.760A>G, p.Lys254Glu (NM_001304423.3); c.2428A>G, p.Lys810Glu (NM_001377538.1); c.2407A>G, p.Lys803Glu (NM_001377539.1); c.2356A>G, p.Lys786Glu (NM_001377541.1, NM_001377542.1, NM_001304420.3); c.2344A>G, p.Lys782Glu (NM_001377545.1); c.2305A>G, p.Lys769Glu (NM_001377549.1, NM_007159.5); and 8 more; short protein forms K254E, K320E, K724E, K769E, K810E, K279E, K728E, K741E.
Identifiers: ClinVar variation 3958289 (VCV003958289.1).

ClinVar aggregate classification (germline): Uncertain significance (1 of 4 stars; one submission).

gnomAD v4.1: 11 of 1,613,984 alleles (0.00068%); highest among the groups gnomAD compares: Admixed American, 0.005%; no homozygotes.

Submission:

Ambry Genetics
Classification: Uncertain significance. Last evaluated: 2025-05-24. Review status: criteria provided, single submitter. Criteria: Ambry Variant Classification Scheme 2023. Collection method: clinical testing. Allele origin: germline.
Comment: The p.K769E variant (also known as c.2305A>G), located in coding exon 20 of the SLMAP gene, results from an A to G substitution at nucleotide position 2305. The lysine at codon 769 is replaced by glutamic acid, an amino acid with similar properties. This amino acid position is conserved. In addition, this alteration is predicted to be tolerated by in silico analysis. Based on the available evidence, the clinical significance of this variant remains unclear.